The following is an entry in ClinVar:

NM_000218.3(KCNQ1):c.1871C>A (p.Thr624Asn)

Genes: KCNQ1 (potassium voltage-gated channel subfamily Q member 1; plus strand), KCNQ1-AS1 (KCNQ1 antisense RNA 1; minus strand). Cytogenetic location: 11p15.4.
Variant type: single nucleotide variant.
Coding change: c.1871C>A on transcript NM_000218.3 (MANE Select); coding-DNA position 1871, C replaced by A.
Protein change: p.Thr624Asn; replaces threonine 624 with asparagine.
Molecular consequence: missense variant.
Genome position (GRCh38, 1-based): chr11:2,847,843, C>A. VCF-style: chr11-2847843-C-A. GRCh37 (hg19) VCF-style: chr11-2869073-C-A.
Other names: c.1775C>A, p.Thr592Asn (NM_001406836.1); c.1601C>A, p.Thr534Asn (NM_001406837.1); c.1331C>A, p.Thr444Asn (NM_001406838.1); c.383C>A, p.Thr128Asn (NM_001406839.1); c.1490C>A, p.Thr497Asn (NM_181798.2); short protein forms T444N, T592N, T128N, T497N, T624N, T534N.
Identifiers: ClinVar variation 3287728 (VCV003287728.1).

ClinVar aggregate classification (germline): Uncertain significance (1 of 4 stars; one submission).

Conditions:
Cardiovascular phenotype. Identifiers: MedGen CN230736.

Submission:

Ambry Genetics
Classification: Uncertain significance for Cardiovascular phenotype. Last evaluated: 2024-05-06. Review status: criteria provided, single submitter. Criteria: Ambry Variant Classification Scheme 2023. Collection method: clinical testing. Allele origin: germline.
Comment: The p.T624N variant (also known as c.1871C>A), located in coding exon 16 of the KCNQ1 gene, results from a C to A substitution at nucleotide position 1871. The threonine at codon 624 is replaced by asparagine, an amino acid with similar properties. This amino acid position is poorly conserved in available vertebrate species. In addition, the in silico prediction for this alteration is inconclusive. Based on the available evidence, the clinical significance of this variant remains unclear.